The following is an entry in ClinVar:

ClinVar aggregate classification (germline): Conflicting classifications of pathogenicity. Review status: criteria provided, conflicting classifications (1 of 4 stars). 3 submissions from 3 submitters: Uncertain significance (2); Likely benign (1). Last evaluated 2025-05-09.

Conditions:
Hereditary breast ovarian cancer syndrome. Also called: Hereditary breast and ovarian cancer syndrome; Hereditary breast and ovarian cancer; Hereditary breast and ovarian cancer syndrome (HBOC); Breast and ovarian cancer; Hereditary breast and/or ovarian cancer syndrome; BRCA1- and BRCA2-Associated Hereditary Breast and Ovarian Cancer. Identifiers: Orphanet 145, MedGen C0677776, MeSH D061325, MONDO:0003582. Disease mechanism: loss of function.
Hereditary cancer-predisposing syndrome. Also called: Neoplastic Syndromes, Hereditary; Tumor predisposition; Hereditary neoplastic syndrome; Hereditary Cancer Syndrome. Identifiers: Orphanet 140162, MedGen C0027672, MeSH D009386, MONDO:0015356.

Allele frequency attached by ClinVar (database versions not stated): gnomAD exomes below 0.00001; gnomAD 0.00001.
gnomAD v4.1: 3 of 1,614,084 alleles (0.00019%); highest among the groups gnomAD compares: East Asian, 0.0022%; no homozygotes.

Submissions (3):

Ambry Genetics
Classification: Likely benign for Hereditary cancer-predisposing syndrome. Last evaluated: 2025-05-09. Review status: criteria provided, single submitter. Criteria: Ambry Variant Classification Scheme 2023. Collection method: clinical testing. Allele origin: germline.

Labcorp Genetics (formerly Invitae), Labcorp
Classification: Uncertain significance for Hereditary breast ovarian cancer syndrome. Last evaluated: 2023-09-19. Review status: criteria provided, single submitter. Criteria: Invitae Variant Classification Sherloc (09022015). Collection method: clinical testing. Allele origin: germline.
Comment: This sequence change replaces threonine, which is neutral and polar, with alanine, which is neutral and non-polar, at codon 2708 of the BRCA2 protein (p.Thr2708Ala). This variant is not present in population databases (gnomAD no frequency). This missense change has been observed in individual(s) with breast cancer (PMID: 36329109). ClinVar contains an entry for this variant (Variation ID: 827465). Advanced modeling of protein sequence and biophysical properties (such as structural, functional, and spatial information, amino acid conservation, physicochemical variation, residue mobility, and thermodynamic stability) performed at Invitae indicates that this missense variant is not expected to disrupt BRCA2 protein function. In summary, the available evidence is currently insufficient to determine the role of this variant in disease. Therefore, it has been classified as a Variant of Uncertain Significance.

Genetics Program, Instituto Nacional de Cancer
Classification: Uncertain significance for Hereditary breast ovarian cancer syndrome. Last evaluated: 2021-11-01. Review status: criteria provided, single submitter. Criteria: ACMG Guidelines, 2015. Collection method: research. Allele origin: germline. Affected: yes.

Literature cited by the submitters: PubMed 36329109 (cited by Labcorp Genetics (formerly Invitae), Labcorp and Genetics Program, Instituto Nacional de Cancer).

NM_000059.4(BRCA2):c.8122A>G (p.Thr2708Ala)

Gene: BRCA2 (BRCA2 DNA repair associated; plus strand). Cytogenetic location: 13q13.1.
Variant type: single nucleotide variant.
Coding change: c.8122A>G on transcript NM_000059.4 (MANE Select); coding-DNA position 8122, A replaced by G.
Protein change: p.Thr2708Ala; replaces threonine 2708 with alanine.
Molecular consequence: missense variant.
Genome position (GRCh38, 1-based): chr13:32,363,324, A>G. VCF-style: chr13-32363324-A-G. GRCh37 (hg19) VCF-style: chr13-32937461-A-G.
Other names: short protein forms T2708A.
Identifiers: ClinVar variation 827465 (VCV000827465.38), dbSNP rs1593925141, ClinGen allele CA387749393.
Genomic context (GRCh38, chr13:32,363,324, plus strand): 5'-CTCTGTGTTTCTGACATAATTTCATTGAGCGCAAATATATCTGAAACTTCTAGCAATAAA[A>G]CTAGTAGTGCAGATACCCAAAAAGTGGCCATTATTGAACTTACAGATGGGTGGTATGCTG-3'
Protein context (NP_000050.3, residues 2698-2718): ANISETSSNK[Thr2708Ala]SSADTQKVAI